The following is an entry in ClinVar:

NM_000180.4(GUCY2D):c.3137A>G (p.Lys1046Arg)

Gene: GUCY2D (guanylate cyclase 2D, retinal; plus strand). Cytogenetic location: 17p13.1.
Variant type: single nucleotide variant.
Coding change: c.3137A>G on transcript NM_000180.4 (MANE Select); coding-DNA position 3137, A replaced by G.
Protein change: p.Lys1046Arg; replaces lysine 1046 with arginine.
Molecular consequence: missense variant.
Genome position (GRCh38, 1-based): chr17:8,016,020, A>G. VCF-style: chr17-8016020-A-G. GRCh37 (hg19) VCF-style: chr17-7919338-A-G.
Other names: short protein forms K1046R.
Identifiers: ClinVar variation 1721574 (VCV001721574.5), dbSNP rs2545427598, ClinGen allele CA397955875.

ClinVar aggregate classification (germline): Uncertain significance (1 of 4 stars; one submission).

Conditions:
Cone-rod dystrophy 6 (CORD6). Also called: RETINAL CONE DYSTROPHY 2; Cone dystrophy progressive. Identifiers: Orphanet 1872, MedGen C1866293, MONDO:0011143, OMIM 601777.
Leber congenital amaurosis 1 (LCA1). Also called: AMAUROSIS CONGENITA OF LEBER I; Congenital absence of the rods and cones; Leber's congenital tapetoretinal degeneration; Leber's congenital tapetoretinal dysplasia; RETINAL BLINDNESS, CONGENITAL. Identifiers: Orphanet 65, MedGen C2931258, MONDO:0008764, OMIM 204000.

Submission:

Labcorp Genetics (formerly Invitae), Labcorp
Classification: Uncertain significance for Leber congenital amaurosis 1; Cone-rod dystrophy 6. Last evaluated: 2022-10-13. Review status: criteria provided, single submitter. Criteria: Invitae Variant Classification Sherloc (09022015). Collection method: clinical testing. Allele origin: germline.
Comment: In summary, the available evidence is currently insufficient to determine the role of this variant in disease. Therefore, it has been classified as a Variant of Uncertain Significance. Algorithms developed to predict the effect of missense changes on protein structure and function (SIFT, PolyPhen-2, Align-GVGD) all suggest that this variant is likely to be disruptive. This sequence change replaces lysine, which is basic and polar, with arginine, which is basic and polar, at codon 1046 of the GUCY2D protein (p.Lys1046Arg). This variant is not present in population databases (gnomAD no frequency). This variant has not been reported in the literature in individuals affected with GUCY2D-related conditions.